The following is an entry in ClinVar:

ClinVar aggregate classification (germline): Benign (0 of 4 stars; one submission).

Conditions:
QRICH2-related disorder. Also called: QRICH2-related condition.

Allele frequency attached by ClinVar (database versions not stated): ESP Exome Variant Server 0.00054; gnomAD exomes 0.00152; gnomAD 0.00338; ExAC 0.00482; TOPMed 0.00588; 1000 Genomes Project 0.00779; 1000 Genomes Project 30x 0.00890.
gnomAD v4.1: 2,752 of 1,614,148 alleles (0.17%); highest among the groups gnomAD compares: Admixed American, 4.1%; 62 homozygotes.

Submission:

PreventionGenetics, part of Exact Sciences
Classification: Benign for QRICH2-related condition. Last evaluated: 2019-06-27. Review status: no assertion criteria provided. Collection method: clinical testing. Allele origin: germline.
Comment: This variant is classified as benign based on ACMG/AMP sequence variant interpretation guidelines (Richards et al. 2015 PMID: 25741868, with internal and published modifications).

NM_001388453.1(QRICH2):c.1022G>A (p.Arg341His)

Gene: QRICH2 (glutamine rich 2; minus strand). Cytogenetic location: 17q25.1.
Variant type: single nucleotide variant.
Coding change: c.1022G>A on transcript NM_001388453.1 (MANE Select); coding-DNA position 1022, G replaced by A.
Protein change: p.Arg341His; replaces arginine 341 with histidine.
Molecular consequence: missense variant.
Genome position (GRCh38, 1-based): chr17:76,293,705, C>T on the plus strand (G>A on the coding strand, the complement: QRICH2 is on the minus strand). VCF-style: chr17-76293705-C-T. GRCh37 (hg19) VCF-style: chr17-74289786-C-T.
Other names: c.1022G>A, p.Arg341His (NM_032134.3); short protein forms R341H.
Identifiers: ClinVar variation 3041950 (VCV003041950.2), dbSNP rs147830330, ClinGen allele CA8784372.